The following is an entry in ClinVar:

NM_000080.4(CHRNE):c.46+64G>A

Genes: CHRNE (cholinergic receptor nicotinic epsilon subunit; minus strand), C17orf107 (chromosome 17 open reading frame 107; plus strand). Cytogenetic location: 17p13.2.
Variant type: single nucleotide variant.
Coding change: c.46+64G>A on transcript NM_000080.4 (MANE Select); 64 bases into the intron after coding-DNA position 46, G replaced by A.
Molecular consequence: intron variant.
Genome position (GRCh38, 1-based): chr17:4,902,954, C>T on the plus strand (G>A on the coding strand, the complement: CHRNE is on the minus strand). VCF-style: chr17-4902954-C-T. GRCh37 (hg19) VCF-style: chr17-4806249-C-T.
Identifiers: ClinVar variation 679148 (VCV000679148.5), dbSNP rs12602789, ClinGen allele CA15899694.

ClinVar aggregate classification (germline): Benign. Review status: criteria provided, multiple submitters, no conflicts (2 of 4 stars). 5 submissions from 3 submitters: Benign (5). Last evaluated 2021-07-10.

Conditions:
Congenital myasthenic syndrome 4B. Also called: Myasthenic syndrome, congenital, 4b, fast-channel. Identifiers: Orphanet 590, MedGen C4225369, MONDO:0014586, OMIM 616324.
Congenital myasthenic syndrome 4A. Also called: Myasthenic syndrome, congenital, 4a, slow-channel; CONGENITAL MYASTHENIC SYNDROME TYPE Ia1; MYASTHENIC SYNDROME, CONGENITAL, 4A, SLOW-CHANNEL, AUTOSOMAL RECESSIVE. Identifiers: Orphanet 590, MedGen C4225413, MONDO:0011600, OMIM 605809.
Congenital myasthenic syndrome 4C (CMS4C). Also called: Myasthenic syndrome, congenital, associated with acetylcholine receptor deficiency. Identifiers: Orphanet 590, MedGen C1837091, MONDO:0012157, OMIM 608931.

Allele frequency attached by ClinVar (database versions not stated): ESP Exome Variant Server 0.06965; gnomAD 0.08447 and 0.09925; TOPMed 0.09203; gnomAD exomes 0.10707; 1000 Genomes Project 30x 0.21049; 1000 Genomes Project 0.21905.
gnomAD v4.1: 171,779 of 1,607,338 alleles (11%); highest among the groups gnomAD compares: East Asian, 50%; 16,745 homozygotes.

Submissions (5):

Genome-Nilou Lab
Classification: Benign for Congenital myasthenic syndrome 4A. Last evaluated: 2021-07-10. Review status: criteria provided, single submitter. Criteria: ACMG Guidelines, 2015. Collection method: clinical testing. Allele origin: germline. Affected: no.

Genome-Nilou Lab
Classification: Benign for Congenital myasthenic syndrome 4B. Last evaluated: 2021-07-10. Review status: criteria provided, single submitter. Criteria: ACMG Guidelines, 2015. Collection method: clinical testing. Allele origin: germline. Affected: no.

Genome-Nilou Lab
Classification: Benign for Congenital myasthenic syndrome 4C. Last evaluated: 2021-07-10. Review status: criteria provided, single submitter. Criteria: ACMG Guidelines, 2015. Collection method: clinical testing. Allele origin: germline. Affected: no.

GeneDx
Classification: Benign. Last evaluated: 2018-06-19. Review status: criteria provided, single submitter. Criteria: GeneDx Variant Classification (06012015). Collection method: clinical testing. Allele origin: germline. Affected: yes.
Comment: This variant is considered likely benign or benign based on one or more of the following criteria: it is a conservative change, it occurs at a poorly conserved position in the protein, it is predicted to be benign by multiple in silico algorithms, and/or has population frequency not consistent with disease.

Breakthrough Genomics
Classification: Benign. Review status: criteria provided, single submitter. Criteria: ACMG Guidelines, 2015. Collection method: not provided. Allele origin: germline. Inheritance: Autosomal recessive inheritance. Affected: yes.